The following is an entry in ClinVar:

ClinVar aggregate classification (germline): Uncertain significance (1 of 4 stars; one submission).

Allele frequency attached by ClinVar (database versions not stated): gnomAD exomes below 0.00001.
gnomAD v4.1: 1 of 1,211,326 alleles (0.000083%); highest among the groups gnomAD compares: East Asian, 0.003%; no homozygotes.

Submission:

GeneDx
Classification: Uncertain significance. Last evaluated: 2022-05-23. Review status: criteria provided, single submitter. Criteria: GeneDx Variant Classification Process June 2021. Collection method: clinical testing. Allele origin: germline. Affected: yes.
Comment: Not observed at significant frequency in large population cohorts (gnomAD); In silico analysis supports that this missense variant does not alter protein structure/function; Has not been previously published as pathogenic or benign to our knowledge

NM_001318510.2(ACSL4):c.1973A>G (p.His658Arg)

Gene: ACSL4 (acyl-CoA synthetase long chain family member 4; minus strand). Cytogenetic location: Xq23.
Variant type: single nucleotide variant.
Coding change: c.1973A>G on transcript NM_001318510.2 (MANE Select); coding-DNA position 1973, A replaced by G.
Protein change: p.His658Arg; replaces histidine 658 with arginine.
Molecular consequence: missense variant.
Genome position (GRCh38, 1-based): chrX:109,644,069, T>C on the plus strand (A>G on the coding strand, the complement: ACSL4 is on the minus strand). VCF-style: chrX-109644069-T-C. GRCh37 (hg19) VCF-style: chrX-108887298-T-C.
Other names: c.2096A>G, p.His699Arg (NM_001318509.2, NM_022977.3); c.1973A>G, p.His658Arg (NM_004458.3); short protein forms H658R, H699R.
Identifiers: ClinVar variation 1800993 (VCV001800993.1), dbSNP rs987531901, ClinGen allele CA334284438.